The following is an entry in ClinVar:

NM_001375524.1(TRRAP):c.7228A>G (p.Ile2410Val)

Gene: TRRAP (transformation/transcription domain associated protein; plus strand). Cytogenetic location: 7q22.1.
Variant type: single nucleotide variant.
Coding change: c.7228A>G on transcript NM_001375524.1 (MANE Select); coding-DNA position 7228, A replaced by G.
Protein change: p.Ile2410Val; replaces isoleucine 2410 with valine.
Molecular consequence: missense variant.
Genome position (GRCh38, 1-based): chr7:98,967,092, A>G. VCF-style: chr7-98967092-A-G. GRCh37 (hg19) VCF-style: chr7-98564715-A-G.
Other names: c.7207A>G, p.Ile2403Val (NM_001244580.2); c.7153A>G, p.Ile2385Val (NM_003496.4); short protein forms I2403V, I2410V, I2385V.
Identifiers: ClinVar variation 4702385 (VCV004702385.1).

ClinVar aggregate classification (germline): Uncertain significance (1 of 4 stars; one submission).

gnomAD v4.1: 12 of 1,614,036 alleles (0.00074%); highest among the groups gnomAD compares: African/African-American, 0.0027%; no homozygotes.

Submission:

Labcorp Genetics (formerly Invitae), Labcorp
Classification: Uncertain significance. Last evaluated: 2025-06-01. Review status: criteria provided, single submitter. Criteria: Invitae Variant Classification Sherloc (09022015). Collection method: clinical testing. Allele origin: germline.
Comment: This sequence change replaces isoleucine, which is neutral and non-polar, with valine, which is neutral and non-polar, at codon 2385 of the TRRAP protein (p.Ile2385Val). This variant is present in population databases (no rsID available, gnomAD 0.01%). This variant has not been reported in the literature in individuals affected with TRRAP-related conditions. Invitae Evidence Modeling of protein sequence and biophysical properties (such as structural, functional, and spatial information, amino acid conservation, physicochemical variation, residue mobility, and thermodynamic stability) indicates that this missense variant is not expected to disrupt TRRAP protein function with a negative predictive value of 80%. In summary, the available evidence is currently insufficient to determine the role of this variant in disease. Therefore, it has been classified as a Variant of Uncertain Significance.